The following is an entry in ClinVar:

NM_205861.3(DHDDS):c.817G>A (p.Asp273Asn)

Gene: DHDDS (dehydrodolichyl diphosphate synthase subunit; plus strand). Cytogenetic location: 1p36.11.
Variant type: single nucleotide variant.
Coding change: c.817G>A on transcript NM_205861.3 (MANE Select); coding-DNA position 817, G replaced by A.
Protein change: p.Asp273Asn; replaces aspartic acid 273 with asparagine.
Molecular consequence: missense variant.
Genome position (GRCh38, 1-based): chr1:26,468,946, G>A. VCF-style: chr1-26468946-G-A. GRCh37 (hg19) VCF-style: chr1-26795437-G-A.
Other names: c.715G>A, p.Asp239Asn (NM_001243564.2); c.700G>A, p.Asp234Asn (NM_001243565.2); c.538G>A, p.Asp180Asn (NM_001319959.2); c.820G>A, p.Asp274Asn (NM_024887.4); short protein forms D180N, D274N, D239N, D273N, D234N.
Identifiers: ClinVar variation 972205 (VCV000972205.7), dbSNP rs182263884, ClinGen allele CA339145614.

ClinVar aggregate classification (germline): Uncertain significance (1 of 4 stars; one submission).

Conditions:
Retinitis pigmentosa 59 (RP59). Identifiers: Orphanet 791, MedGen C3151227, MONDO:0013468, OMIM 613861.

Allele frequency attached by ClinVar (database versions not stated): gnomAD exomes below 0.00001.
gnomAD v4.1: 1 of 1,614,166 alleles (0.000062%); highest among the groups gnomAD compares: Admixed American, 0.0017%; no homozygotes.

Submission:

Labcorp Genetics (formerly Invitae), Labcorp
Classification: Uncertain significance for Retinitis pigmentosa 59. Last evaluated: 2022-05-27. Review status: criteria provided, single submitter. Criteria: Invitae Variant Classification Sherloc (09022015). Collection method: clinical testing. Allele origin: germline.
Comment: This sequence change replaces aspartic acid, which is acidic and polar, with asparagine, which is neutral and polar, at codon 274 of the DHDDS protein (p.Asp274Asn). This variant is not present in population databases (gnomAD no frequency). This variant has not been reported in the literature in individuals affected with DHDDS-related conditions. ClinVar contains an entry for this variant (Variation ID: 972205). Algorithms developed to predict the effect of missense changes on protein structure and function are either unavailable or do not agree on the potential impact of this missense change (SIFT: "Tolerated"; PolyPhen-2: "Possibly Damaging"; Align-GVGD: "Class C0"). In summary, the available evidence is currently insufficient to determine the role of this variant in disease. Therefore, it has been classified as a Variant of Uncertain Significance.